The following is an entry in ClinVar:

ClinVar aggregate classification (germline): Likely benign (0 of 4 stars; one submission).

Conditions:
H1-4-related disorder. Also called: H1-4-related condition.

Allele frequency attached by ClinVar (database versions not stated): ExAC 0.00002; TOPMed 0.00002.
gnomAD v4.1: 14 of 1,612,476 alleles (0.00087%); highest among the groups gnomAD compares: South Asian, 0.0011%; no homozygotes.

Submission:

PreventionGenetics, part of Exact Sciences
Classification: Likely benign for H1-4-related condition. Last evaluated: 2019-10-28. Review status: no assertion criteria provided. Collection method: clinical testing. Allele origin: germline.
Comment: This variant is classified as likely benign based on ACMG/AMP sequence variant interpretation guidelines (Richards et al. 2015 PMID: 25741868, with internal and published modifications).

NM_005321.3(H1-4):c.561C>T (p.Ser187=)

Gene: H1-4 (H1.4 linker histone, cluster member; plus strand). Cytogenetic location: 6p22.2.
Variant type: single nucleotide variant.
Coding change: c.561C>T on transcript NM_005321.3 (MANE Select); coding-DNA position 561, C replaced by T.
Protein change: p.Ser187=; no amino-acid change (serine 187 retained).
Molecular consequence: synonymous variant.
Genome position (GRCh38, 1-based): chr6:26,156,951, C>T. VCF-style: chr6-26156951-C-T. GRCh37 (hg19) VCF-style: chr6-26157179-C-T.
Identifiers: ClinVar variation 3045623 (VCV003045623.2), dbSNP rs563391037, ClinGen allele CA3668215.